The following is an entry in ClinVar:

ClinVar aggregate classification (germline): Uncertain significance. Review status: criteria provided, multiple submitters, no conflicts (2 of 4 stars). 4 submissions from 3 submitters: Uncertain significance (4). Last evaluated 2024-09-23.

Conditions:
Meckel syndrome, type 8. Identifiers: Orphanet 564, MedGen C3836857, MONDO:0013482, OMIM 613885.
Joubert syndrome 24 (JBTS24). Identifiers: Orphanet 475, MedGen C4084841, MONDO:0014724, OMIM 616654.
Meckel-Gruber syndrome. Also called: DYSENCEPHALIA SPLANCHNOCYSTICA; GRUBER SYNDROME; Dysencephalia splachnocystica. Identifiers: Orphanet 564, MedGen C0265215, MONDO:0018921.
Joubert syndrome. Also called: CEREBELLOPARENCHYMAL DISORDER IV; JOUBERT-BOLTSHAUSER SYNDROME; Familial aplasia of the vermis. Identifiers: Orphanet 475, MedGen C5979921, MONDO:0018772.

Allele frequency attached by ClinVar (database versions not stated): ESP Exome Variant Server 0.00008; gnomAD 0.00008 and 0.00009; TOPMed 0.00008.
gnomAD v4.1: 103 of 1,612,676 alleles (0.0064%); highest among the groups gnomAD compares: Admixed American, 0.005%; no homozygotes.

Submissions (4):

Labcorp Genetics (formerly Invitae), Labcorp
Classification: Uncertain significance for Joubert syndrome; Meckel-Gruber syndrome. Last evaluated: 2024-09-23. Review status: criteria provided, single submitter. Criteria: Invitae Variant Classification Sherloc (09022015). Collection method: clinical testing. Allele origin: germline.
Comment: This sequence change replaces arginine, which is basic and polar, with cysteine, which is neutral and slightly polar, at codon 567 of the TCTN2 protein (p.Arg567Cys). This variant is present in population databases (rs369121651, gnomAD 0.2%). This variant has not been reported in the literature in individuals affected with TCTN2-related conditions. ClinVar contains an entry for this variant (Variation ID: 881785). Invitae Evidence Modeling of protein sequence and biophysical properties (such as structural, functional, and spatial information, amino acid conservation, physicochemical variation, residue mobility, and thermodynamic stability) indicates that this missense variant is expected to disrupt TCTN2 protein function with a positive predictive value of 80%. In summary, the available evidence is currently insufficient to determine the role of this variant in disease. Therefore, it has been classified as a Variant of Uncertain Significance.

Fulgent Genetics
Classification: Uncertain significance for Meckel syndrome, type 8; Joubert syndrome 24. Last evaluated: 2024-01-03. Review status: criteria provided, single submitter. Criteria: ACMG Guidelines, 2015. Collection method: clinical testing. Allele origin: germline.

Illumina Laboratory Services, Illumina
Classification: Uncertain significance for Meckel syndrome, type 8. Last evaluated: 2018-01-13. Review status: criteria provided, single submitter. Criteria: ICSL Variant Classification Criteria 13 December 2019. Collection method: clinical testing. Allele origin: germline.

Illumina Laboratory Services, Illumina
Classification: Uncertain significance for Joubert syndrome 24. Last evaluated: 2018-01-13. Review status: criteria provided, single submitter. Criteria: ICSL Variant Classification Criteria 13 December 2019. Collection method: clinical testing. Allele origin: germline.

NM_024809.5(TCTN2):c.1699C>T (p.Arg567Cys)

Gene: TCTN2 (tectonic family member 2; plus strand). Cytogenetic location: 12q24.31.
Variant type: single nucleotide variant.
Coding change: c.1699C>T on transcript NM_024809.5 (MANE Select); coding-DNA position 1699, C replaced by T.
Protein change: p.Arg567Cys; replaces arginine 567 with cysteine.
Molecular consequence: missense variant.
Genome position (GRCh38, 1-based): chr12:123,704,618, C>T. VCF-style: chr12-123704618-C-T. GRCh37 (hg19) VCF-style: chr12-124189165-C-T.
Other names: c.1696C>T, p.Arg566Cys (NM_001143850.3); short protein forms R566C, R567C.
Identifiers: ClinVar variation 881785 (VCV000881785.9), dbSNP rs369121651, ClinGen allele CA6861305.